The following is an entry in ClinVar:

ClinVar aggregate classification (germline): Likely benign (0 of 4 stars; one submission).

Conditions:
EXTL3-related disorder. Also called: EXTL3-related condition.

gnomAD v4.1: 11 of 1,613,788 alleles (0.00068%); highest among the groups gnomAD compares: Non-Finnish European, 0.00093%; no homozygotes.

Submission:

PreventionGenetics, part of Exact Sciences
Classification: Likely benign for EXTL3-related condition. Last evaluated: 2019-05-28. Review status: no assertion criteria provided. Collection method: clinical testing. Allele origin: germline.
Comment: This variant is classified as likely benign based on ACMG/AMP sequence variant interpretation guidelines (Richards et al. 2015 PMID: 25741868, with internal and published modifications).

NM_001440.4(EXTL3):c.342C>A (p.Ile114=)

Gene: EXTL3 (exostosin like glycosyltransferase 3; plus strand). Cytogenetic location: 8p21.1.
Variant type: single nucleotide variant.
Coding change: c.342C>A on transcript NM_001440.4 (MANE Select); coding-DNA position 342, C replaced by A.
Protein change: p.Ile114=; no amino-acid change (isoleucine 114 retained).
Molecular consequence: synonymous variant.
Genome position (GRCh38, 1-based): chr8:28,716,401, C>A. VCF-style: chr8-28716401-C-A. GRCh37 (hg19) VCF-style: chr8-28573918-C-A.
Identifiers: ClinVar variation 3039593 (VCV003039593.2), dbSNP rs538331636, ClinGen allele CA460189666.